The following is an entry in ClinVar:

NM_000138.5(FBN1):c.1504G>T (p.Gly502Cys)

Gene: FBN1 (fibrillin 1; minus strand). Cytogenetic location: 15q21.1.
Variant type: single nucleotide variant.
Coding change: c.1504G>T on transcript NM_000138.5 (MANE Select); coding-DNA position 1504, G replaced by T.
Protein change: p.Gly502Cys; replaces glycine 502 with cysteine.
Molecular consequence: missense variant.
Genome position (GRCh38, 1-based): chr15:48,513,633, C>A on the plus strand (G>T on the coding strand, the complement: FBN1 is on the minus strand). VCF-style: chr15-48513633-C-A. GRCh37 (hg19) VCF-style: chr15-48805830-C-A.
Other names: short protein forms G502C.
Identifiers: ClinVar variation 1008301 (VCV001008301.10), dbSNP rs762111810, ClinGen allele CA392342660.
Genomic context (GRCh38, chr15:48,513,633, plus strand): 5'-TGCTCTGATATCCAGCTCGGCACTGACAGGTGTACGAACCCTGGTTGTTAATACACTCAC[C>A]ACCAGCACAGGGGTTTTTCTCACATTCATCAACATCTGCAAAGCACAATGTATTTTAGTG-3'
Protein context (NP_000129.3, residues 492-512): DECEKNPCAG[Gly502Cys]ECINNQGSYT

ClinVar aggregate classification (germline): Uncertain significance. Review status: criteria provided, multiple submitters, no conflicts (2 of 4 stars). 2 submissions from 2 submitters: Uncertain significance (2). Last evaluated 2021-04-09.

Conditions:
Marfan syndrome (MFS). Also called: FBN1-Related Marfan Syndrome; MARFAN SYNDROME, TYPE I; Marfan syndrome type 1; Marfan's syndrome; Marfan syndrome, classic. Identifiers: Orphanet 284963, Orphanet 558, MedGen C0024796, MONDO:0007947, OMIM 154700.
Familial thoracic aortic aneurysm and aortic dissection (TAAD). Also called: Thoracic aortic aneurysms and dissections. Identifiers: Orphanet 91387, MedGen C4707243, MONDO:0019625.

Submissions (2):

Ambry Genetics
Classification: Uncertain significance for Familial thoracic aortic aneurysm and aortic dissection. Last evaluated: 2021-04-09. Review status: criteria provided, single submitter. Criteria: Ambry Variant Classification Scheme 2023. Collection method: clinical testing. Allele origin: germline.
Comment: The p.G502C variant (also known as c.1504G>T), located in coding exon 12 of the FBN1 gene, results from a G to T substitution at nucleotide position 1504. The glycine at codon 502 is replaced by cysteine, an amino acid with highly dissimilar properties, and is located in the cb EGF-like #03 domain. The majority of FBN1 mutations identified to date have involved the substitution or generation of cysteine residues within cbEGF domains (Vollbrandt T et al. J Biol Chem. 2004;279(31):32924-32931). This amino acid position is highly conserved in available vertebrate species. In addition, this alteration is predicted to be deleterious by in silico analysis. Since supporting evidence is limited at this time, the clinical significance of this alteration remains unclear.

Labcorp Genetics (formerly Invitae), Labcorp
Classification: Uncertain significance for Marfan syndrome; Familial thoracic aortic aneurysm and aortic dissection. Last evaluated: 2021-03-17. Review status: criteria provided, single submitter. Criteria: Invitae Variant Classification Sherloc (09022015). Collection method: clinical testing. Allele origin: germline.
Comment: In summary, the available evidence is currently insufficient to determine the role of this variant in disease. Therefore, it has been classified as a Variant of Uncertain Significance. Advanced modeling of protein sequence and biophysical properties (such as structural, functional, and spatial information, amino acid conservation, physicochemical variation, residue mobility, and thermodynamic stability) performed at Invitae indicates that this missense variant is expected to disrupt FBN1 protein function. This variant has been observed in individual(s) with clinical features of Marfan syndrome (Invitae). This variant is not present in population databases (ExAC no frequency). This sequence change replaces glycine with cysteine at codon 502 of the FBN1 protein (p.Gly502Cys). The glycine residue is highly conserved and there is a large physicochemical difference between glycine and cysteine.

Literature cited by the submitters: PubMed 19802897 (cited by Ambry Genetics).